The following is an entry in ClinVar:

NM_001365276.2(TNXB):c.2084G>A (p.Arg695Gln)

Gene: TNXB (tenascin XB; minus strand). Cytogenetic location: 6p21.33.
Variant type: single nucleotide variant.
Coding change: c.2084G>A on transcript NM_001365276.2 (MANE Select); coding-DNA position 2084, G replaced by A.
Protein change: p.Arg695Gln; replaces arginine 695 with glutamine.
Molecular consequence: missense variant.
Genome position (GRCh38, 1-based): chr6:32,095,769, C>T on the plus strand (G>A on the coding strand, the complement: TNXB is on the minus strand). VCF-style: chr6-32095769-C-T. GRCh37 (hg19) VCF-style: chr6-32063546-C-T.
Other names: c.2084G>A, p.Arg695Gln (NM_001428335.1, NM_019105.8); short protein forms R695Q.
Identifiers: ClinVar variation 4615198 (VCV004615198.1).

ClinVar aggregate classification (germline): Uncertain significance (1 of 4 stars; one submission).

Conditions:
Cardiovascular phenotype. Identifiers: MedGen CN230736.

gnomAD v4.1: 9 of 1,613,806 alleles (0.00056%); highest among the groups gnomAD compares: South Asian, 0.0011%; no homozygotes.

Submission:

Ambry Genetics
Classification: Uncertain significance for Cardiovascular phenotype. Last evaluated: 2025-12-11. Review status: criteria provided, single submitter. Criteria: Ambry Variant Classification Scheme 2023. Collection method: clinical testing. Allele origin: germline.
Comment: The p.R695Q variant (also known as c.2084G>A), located in coding exon 2 of the TNXB gene, results from a G to A substitution at nucleotide position 2084. The arginine at codon 695 is replaced by glutamine, an amino acid with highly similar properties. This amino acid position is conserved. In addition, this alteration is predicted to be tolerated by in silico analysis. Based on the available evidence, the clinical significance of this variant remains unclear.